The following is an entry in ClinVar:

NM_006796.3(AFG3L2):c.31C>T (p.Arg11Trp)

Gene: AFG3L2 (AFG3 like matrix AAA peptidase subunit 2; minus strand). Cytogenetic location: 18p11.21.
Variant type: single nucleotide variant.
Coding change: c.31C>T on transcript NM_006796.3 (MANE Select); coding-DNA position 31, C replaced by T.
Protein change: p.Arg11Trp; replaces arginine 11 with tryptophan.
Molecular consequence: missense variant.
Genome position (GRCh38, 1-based): chr18:12,377,052, G>A on the plus strand (C>T on the coding strand, the complement: AFG3L2 is on the minus strand). VCF-style: chr18-12377052-G-A. GRCh37 (hg19) VCF-style: chr18-12377051-G-A.
Other names: short protein forms R11W.
Identifiers: ClinVar variation 4688282 (VCV004688282.1).

ClinVar aggregate classification (germline): Uncertain significance (1 of 4 stars; one submission).

gnomAD v4.1: 8 of 1,436,036 alleles (0.00056%); highest among the groups gnomAD compares: East Asian, 0.0031%; no homozygotes.

Submission:

Women's Health and Genetics/Laboratory Corporation of America, LabCorp
Classification: Uncertain significance. Last evaluated: 2025-12-15. Review status: criteria provided, single submitter. Criteria: LabCorp Variant Classification Summary - May 2015. Collection method: clinical testing. Allele origin: germline.
Comment: Variant summary: AFG3L2 c.31C>T (p.Arg11Trp) results in a non-conservative amino acid change in the encoded protein sequence. Algorithms developed to predict the effect of missense changes on protein structure and function are either unavailable or do not agree on the potential impact of this missense change. The variant was absent in 70810 control chromosomes. The available data on variant occurrences in the general population are insufficient to allow any conclusion about variant significance. To our knowledge, no occurrence of c.31C>T in individuals affected with AFG3L2-related conditions and no experimental evidence demonstrating its impact on protein function have been reported. No submitters have cited clinical-significance assessments for this variant to ClinVar. Based on the evidence outlined above, the variant was classified as uncertain significance.